The following is an entry in ClinVar:

ClinVar aggregate classification (germline): Benign/Likely benign. Review status: criteria provided, multiple submitters, no conflicts (2 of 4 stars). 4 submissions from 4 submitters: Benign (3); Likely benign (1). Last evaluated 2024-11-26.

Allele frequency attached by ClinVar (database versions not stated): 1000 Genomes Project 30x 0.26640; ESP Exome Variant Server 0.26918; 1000 Genomes Project 0.27236; gnomAD 0.28034 and 0.28811; gnomAD exomes 0.32142 and 0.35723; ExAC 0.32918.
gnomAD v4.1: 538,153 of 1,538,830 alleles (35%); highest among the groups gnomAD compares: South Asian, 45%; 94,120 homozygotes.

Submissions (4):

Blueprint Genetics
Classification: Likely benign. Last evaluated: 2024-11-26. Review status: criteria provided, single submitter. Criteria: ACMG Guidelines, 2015. Collection method: clinical testing. Allele origin: germline.

Mayo Clinic Laboratories, Mayo Clinic
Classification: Benign. Last evaluated: 2022-10-27. Review status: criteria provided, single submitter. Criteria: ACMG Guidelines, 2015. Collection method: clinical testing. Allele origin: germline. Observed: 136 variant alleles.

GeneDx
Classification: Benign. Last evaluated: 2015-12-02. Review status: criteria provided, single submitter. Criteria: GeneDx Variant Classification (06012015). Collection method: clinical testing. Allele origin: germline. Affected: yes.
Comment: This variant is considered likely benign or benign based on one or more of the following criteria: it is a conservative change, it occurs at a poorly conserved position in the protein, it is predicted to be benign by multiple in silico algorithms, and/or has population frequency not consistent with disease.

Breakthrough Genomics
Classification: Benign. Review status: criteria provided, single submitter. Criteria: ACMG Guidelines, 2015. Collection method: not provided. Allele origin: germline. Inheritance: Autosomal recessive inheritance. Affected: yes.

NM_001277062.2(MFF):c.-40-861G>T

Gene: MFF (mitochondrial fission factor; plus strand). Cytogenetic location: 2q36.3.
Variant type: single nucleotide variant.
Coding change: c.-40-861G>T on transcript NM_001277062.2 (MANE Select); 861 bases into the intron before 40 bases upstream of the start codon, G replaced by T.
Molecular consequence: intron variant. On other transcripts: missense variant (2), 5 prime UTR variant (1).
Genome position (GRCh38, 1-based): chr2:227,329,765, G>T. VCF-style: chr2-227329765-G-T. GRCh37 (hg19) VCF-style: chr2-228194481-G-T.
Other names: p.Ser7Ile; c.20G>T, p.Ser7Ile (NM_001277061.2, NM_020194.5); c.-54G>T (NM_001277067.1); c.-40-861G>T (NM_001277063.2, NM_001277064.2, NM_001277065.2 and 2 more transcripts); short protein forms S7I.
Identifiers: ClinVar variation 379994 (VCV000379994.4), dbSNP rs3211098, ClinGen allele CA2147726.